The following is an entry in ClinVar:

NM_000093.5(COL5A1):c.417C>T (p.Leu139=)

Gene: COL5A1 (collagen type V alpha 1 chain; plus strand). Cytogenetic location: 9q34.3.
Variant type: single nucleotide variant.
Coding change: c.417C>T on transcript NM_000093.5 (MANE Select); coding-DNA position 417, C replaced by T.
Protein change: p.Leu139=; no amino-acid change (leucine 139 retained).
Molecular consequence: synonymous variant.
Genome position (GRCh38, 1-based): chr9:134,700,048, C>T. VCF-style: chr9-134700048-C-T. GRCh37 (hg19) VCF-style: chr9-137591894-C-T.
Other names: c.417C>T, p.Leu139= (NM_001278074.1).
Identifiers: ClinVar variation 529303 (VCV000529303.16), dbSNP rs138687282, ClinGen allele CA5318289.

ClinVar aggregate classification (germline): Likely benign. Review status: criteria provided, multiple submitters, no conflicts (2 of 4 stars). 3 submissions from 3 submitters: Likely benign (2). 1 of the submissions does not count toward it. Last evaluated 2024-07-10.

Conditions:
COL5A1-related disorder. Also called: COL5A1-related condition.
Ehlers-Danlos syndrome, classic type, 1 (EDSCL1). Also called: Ehlers-Danlos Syndrome, Classic Type, COL5A1-Related; EDS I; Ehlers-Danlos syndrome, type 1; EHLERS-DANLOS SYNDROME, GRAVIS TYPE; EHLERS-DANLOS SYNDROME, SEVERE CLASSIC TYPE. Identifiers: MedGen C0268335, MONDO:0019567, OMIM 130000.
Familial thoracic aortic aneurysm and aortic dissection (TAAD). Also called: Thoracic aortic aneurysms and dissections. Identifiers: Orphanet 91387, MedGen C4707243, MONDO:0019625.

Allele frequency attached by ClinVar (database versions not stated): ESP Exome Variant Server 0.00008; gnomAD 0.00015 and 0.00017; 1000 Genomes Project 30x 0.00016; TOPMed 0.00018; 1000 Genomes Project 0.00020; gnomAD exomes 0.00004 and 0.00001; ExAC 0.00006.
gnomAD v4.1: 34 of 1,613,370 alleles (0.0021%); highest among the groups gnomAD compares: African/African-American, 0.045%; no homozygotes.

Submissions (3):

Labcorp Genetics (formerly Invitae), Labcorp
Classification: Likely benign for Ehlers-Danlos syndrome, classic type, 1. Last evaluated: 2024-07-10. Review status: criteria provided, single submitter. Criteria: Invitae Variant Classification Sherloc (09022015). Collection method: clinical testing. Allele origin: germline.

Ambry Genetics
Classification: Likely benign for Familial thoracic aortic aneurysm and aortic dissection. Last evaluated: 2022-05-24. Review status: criteria provided, single submitter. Criteria: Ambry Variant Classification Scheme 2023. Collection method: clinical testing. Allele origin: germline.

PreventionGenetics, part of Exact Sciences
Classification: Likely benign for COL5A1-related condition. Last evaluated: 2019-06-25. Review status: no assertion criteria provided. Collection method: clinical testing. Allele origin: germline. Not counted in ClinVar's aggregate classification.
Comment: This variant is classified as likely benign based on ACMG/AMP sequence variant interpretation guidelines (Richards et al. 2015 PMID: 25741868, with internal and published modifications).